The following is an entry in ClinVar:

NM_000551.4(VHL):c.179_192del (p.Arg60fs)

Gene: VHL (von Hippel-Lindau tumor suppressor; plus strand). Cytogenetic location: 3p25.3.
Variant type: Deletion.
Coding change: c.179_192del on transcript NM_000551.4 (MANE Select); coding-DNA positions 179 to 192, 14 bases deleted (GGCCCGTGCTGCGC).
Protein change: p.Arg60fs; shifts the reading frame from arginine 60.
Molecular consequence: frameshift variant.
Genome position (GRCh38, 1-based): chr3:10,142,026-10,142,039, GGCCCGTGCTGCGC deleted; deleting any 14 consecutive bases within chr3:10,142,023-10,142,039 gives the same sequence; the c. name uses the placement nearest the transcript's 3' end. VCF-style (leftmost placement, unchanged base first): chr3-10142022-CCGCGGCCCGTGCTG-C. GRCh37 (hg19) VCF-style: chr3-10183706-CCGCGGCCCGTGCTG-C.
Other names: c.179_192delGGCCCGTGCTGCGC (NM_000551.3); c.179_192del, p.Arg60fs (NM_001354723.2, NM_198156.3); short protein forms R60fs.
Identifiers: ClinVar variation 423409 (VCV000423409.9), dbSNP rs1064796408, ClinGen allele CA16617784.
Genomic context (GRCh38, chr3:10,142,022, plus strand): 5'-GGCCCGGAAGAGTCCGGCCCGGAGGAACTGGGCGCCGAGGAGGAGATGGAGGCCGGGCGG[CCGCGGCCCGTGCTG>C]CGCTCGGTGAACTCGCGCGAGCCCTCCCAGGTCATCTTCTGCAATCGCAGTCCGCGCGTC-3'

ClinVar aggregate classification (germline): Pathogenic/Likely pathogenic. Review status: criteria provided, multiple submitters, no conflicts (2 of 4 stars). 2 submissions from 2 submitters: Pathogenic (1); Likely pathogenic (1). Last evaluated 2018-10-29.

Conditions:
Chuvash polycythemia. Also called: POLYCYTHEMIA, VHL-DEPENDENT. Identifiers: Orphanet 238557, MedGen C1837915, MONDO:0009892, OMIM 263400.
Von Hippel-Lindau syndrome (VHLS). Also called: VHL syndrome; Von Hippel-Lindau; von Hippel–Lindau syndrome. Identifiers: Orphanet 892, MedGen C0019562, MONDO:0008667, OMIM 193300. Disease mechanism: loss of function.

Submissions (2):

Labcorp Genetics (formerly Invitae), Labcorp
Classification: Pathogenic for Von Hippel-Lindau syndrome; Chuvash polycythemia. Last evaluated: 2018-10-29. Review status: criteria provided, single submitter. Criteria: Invitae Variant Classification Sherloc (09022015). Collection method: clinical testing. Allele origin: germline.
Comment: For these reasons, this variant has been classified as Pathogenic. Loss-of-function variants in VHL are known to be pathogenic (PMID: 8956040, 12202531). This variant has not been reported in the literature in individuals with VHL-related disease. ClinVar contains an entry for this variant (Variation ID: 423409). This variant is not present in population databases (ExAC no frequency). This sequence change creates a premature translational stop signal (p.Arg60Leufs*67) in the VHL gene. It is expected to result in an absent or disrupted protein product.

GeneDx
Classification: Likely pathogenic. Last evaluated: 2017-02-01. Review status: criteria provided, single submitter. Criteria: GeneDx Variant Classification (06012015). Collection method: clinical testing. Allele origin: germline. Affected: yes.
Comment: The c.179_192del14 variant in the VHL gene has not been reported previously as a pathogenic variant, nor as a benign variant, to our knowledge. This deletion causes a frameshift starting with codon Arginine 60, changes this amino acid to a Leucine residue and creates a premature Stop codon at position 67 of the new reading frame, denoted p.Arg60LeufsX67. This variant is predicted to cause loss of normal protein function either through protein truncation or nonsense-mediated mRNA decay. Based on currently available evidence, c.179_192del14 is a strong candidate for a pathogenic variant. However, the possibility it could be a rare benign variant cannot be excluded.

Literature cited by the submitters: PubMed 8956040 (cited by Labcorp Genetics (formerly Invitae), Labcorp); PubMed 12202531 (cited by Labcorp Genetics (formerly Invitae), Labcorp).